The following is an entry in ClinVar:

NM_032888.4(COL27A1):c.4873C>T (p.Gln1625Ter)

Gene: COL27A1 (collagen type XXVII alpha 1 chain; plus strand). Cytogenetic location: 9q32.
Variant type: single nucleotide variant.
Coding change: c.4873C>T on transcript NM_032888.4 (MANE Select); coding-DNA position 4873, C replaced by T.
Protein change: p.Gln1625Ter; replaces glutamine 1625 with a stop codon.
Molecular consequence: nonsense.
Genome position (GRCh38, 1-based): chr9:114,304,608, C>T. VCF-style: chr9-114304608-C-T. GRCh37 (hg19) VCF-style: chr9-117066888-C-T.
Other names: short protein forms Q1625*.
Identifiers: ClinVar variation 2153455 (VCV002153455.4), dbSNP rs1313055571, ClinGen allele CA374594745.

ClinVar aggregate classification (germline): Pathogenic (1 of 4 stars; one submission).

Allele frequency attached by ClinVar (database versions not stated): gnomAD exomes below 0.00001.
gnomAD v4.1: 4 of 1,614,130 alleles (0.00025%); highest among the groups gnomAD compares: Non-Finnish European, 0.00034%; no homozygotes.

Submission:

Labcorp Genetics (formerly Invitae), Labcorp
Classification: Pathogenic. Last evaluated: 2022-07-10. Review status: criteria provided, single submitter. Criteria: Invitae Variant Classification Sherloc (09022015). Collection method: clinical testing. Allele origin: germline.
Comment: For these reasons, this variant has been classified as Pathogenic. Algorithms developed to predict the effect of sequence changes on RNA splicing suggest that this variant may disrupt the consensus splice site. This variant has not been reported in the literature in individuals affected with COL27A1-related conditions. This variant is present in population databases (no rsID available, gnomAD 0.0009%). This sequence change creates a premature translational stop signal (p.Gln1625*) in the COL27A1 gene. It is expected to result in an absent or disrupted protein product. Loss-of-function variants in COL27A1 are known to be pathogenic (PMID: 24986830, 28276056).

Literature cited by the submitters: PubMed 24986830; PubMed 28276056.